The following is an entry in ClinVar:

ClinVar aggregate classification (germline): Benign (1 of 4 stars; one submission).

Conditions:
Leukoencephalopathy-thalamus and brainstem anomalies-high lactate syndrome. Also called: LEUKOENCEPHALOPATHY WITH THALAMUS AND BRAINSTEM INVOLVEMENT AND HIGH LACTATE; Combined oxidative phosphorylation deficiency 12. Identifiers: Orphanet 314051, MedGen C4706421, MONDO:0013971, OMIM 614924.

Allele frequency attached by ClinVar (database versions not stated): 1000 Genomes Project 30x 0.00734; 1000 Genomes Project 0.00779; TOPMed 0.00857; gnomAD 0.01076 and 0.01096; gnomAD exomes 0.03125.
gnomAD v4.1: 1,688 of 152,310 alleles (1.1%); highest among the groups gnomAD compares: South Asian, 2.7%; 15 homozygotes.

Submission:

Illumina Laboratory Services, Illumina
Classification: Benign for Leukoencephalopathy-thalamus and brainstem anomalies-high lactate syndrome. Last evaluated: 2018-01-13. Review status: criteria provided, single submitter. Criteria: ICSL Variant Classification Criteria 13 December 2019. Collection method: clinical testing. Allele origin: germline.
Comment: This variant was observed in the ICSL laboratory as part of a predisposition screen in an ostensibly healthy population. It had not been previously curated by ICSL or reported in the Human Gene Mutation Database (HGMD: prior to June 1st, 2018), and was therefore a candidate for classification through an automated scoring system. Utilizing variant allele frequency, disease prevalence and penetrance estimates, and inheritance mode, an automated score was calculated to assess if this variant is too frequent to cause the disease. Based on the score and internal cut-off values, a variant classified as benign is not then subjected to further curation. The score for this variant resulted in a classification of benign for this disease.

NM_001083614.2(EARS2):c.*755C>T

Genes: EARS2 (glutamyl-tRNA synthetase 2, mitochondrial; minus strand), GGA2 (golgi associated, gamma adaptin ear containing, ARF binding protein 2; minus strand). Cytogenetic location: 16p12.2.
Variant type: single nucleotide variant.
Coding change: c.*755C>T on transcript NM_001083614.2 (MANE Select); 755 bases downstream of the stop codon, C replaced by T.
Molecular consequence: 3 prime UTR variant. On other transcripts: non-coding transcript variant (1).
Genome position (GRCh38, 1-based): chr16:23,523,616, G>A on the plus strand (C>T on the coding strand, the complement: EARS2 is on the minus strand). VCF-style: chr16-23523616-G-A. GRCh37 (hg19) VCF-style: chr16-23534937-G-A.
Identifiers: ClinVar variation 888234 (VCV000888234.4), dbSNP rs11647557, ClinGen allele CA279503573.